The following is an entry in ClinVar:

NM_005996.4(TBX3):c.1650G>C (p.Leu550=)

Gene: TBX3 (T-box transcription factor 3; minus strand). Cytogenetic location: 12q24.21.
Variant type: single nucleotide variant.
Coding change: c.1650G>C on transcript NM_005996.4 (MANE Select); coding-DNA position 1650, G replaced by C.
Protein change: p.Leu550=; no amino-acid change (leucine 550 retained).
Molecular consequence: synonymous variant.
Genome position (GRCh38, 1-based): chr12:114,674,225, C>G on the plus strand (G>C on the coding strand, the complement: TBX3 is on the minus strand). VCF-style: chr12-114674225-C-G. GRCh37 (hg19) VCF-style: chr12-115112030-C-G.
Other names: c.1710G>C, p.Leu570= (NM_016569.4).
Identifiers: ClinVar variation 3355848 (VCV003355848.1).
Genomic context (GRCh38, chr12:114,674,225, plus strand): 5'-CTGAGAGGCCAGGACGTGCTGCTGGAGGTGGAAGGGCAGGGTGGCCGCGGACGCCCCGGA[C>G]AGTCCCTGCGCCGCAGCGGCAGAGGCCATGGCCGTGGAATCCAGGCCCGAGACACCGGTG-3'
Protein context (NP_005987.3, residues 540-560): AMASAAAAQG[Leu550=]SGASAATLPF

ClinVar aggregate classification (germline): Likely benign (0 of 4 stars; one submission).

Conditions:
TBX3-related disorder. Also called: TBX3-related condition.

gnomAD v4.1: 6 of 1,577,624 alleles (0.00038%); highest among the groups gnomAD compares: African/African-American, 0.0053%; no homozygotes.

Submission:

PreventionGenetics, part of Exact Sciences
Classification: Likely benign for TBX3-related condition. Last evaluated: 2024-09-06. Review status: no assertion criteria provided. Collection method: clinical testing. Allele origin: germline.
Comment: This variant is classified as likely benign based on ACMG/AMP sequence variant interpretation guidelines (Richards et al. 2015 PMID: 25741868, with internal and published modifications).